The following is an entry in ClinVar:

ClinVar aggregate classification (germline): Uncertain significance (1 of 4 stars; one submission).

Conditions:
Inborn genetic diseases. Identifiers: MedGen C0950123, MeSH D030342.

Allele frequency attached by ClinVar (database versions not stated): gnomAD exomes below 0.00001; gnomAD 0.00001.
gnomAD v4.1: 6 of 1,614,062 alleles (0.00037%); highest among the groups gnomAD compares: East Asian, 0.0022%; no homozygotes.

Submission:

Ambry Genetics
Classification: Uncertain significance for Inborn genetic diseases. Last evaluated: 2022-11-15. Review status: criteria provided, single submitter. Criteria: Ambry Variant Classification Scheme 2023. Collection method: clinical testing. Allele origin: germline.
Comment: The p.R841T variant (also known as c.2522G>C), located in coding exon 16 of the EPAS1 gene, results from a G to C substitution at nucleotide position 2522. The arginine at codon 841 is replaced by threonine, an amino acid with similar properties. This amino acid position is conserved. In addition, the in silico prediction for this alteration is inconclusive. Since supporting evidence is limited at this time, the clinical significance of this alteration remains unclear.

NM_001430.5(EPAS1):c.2522G>C (p.Arg841Thr)

Gene: EPAS1 (endothelial PAS domain protein 1; plus strand). Cytogenetic location: 2p21.
Variant type: single nucleotide variant.
Coding change: c.2522G>C on transcript NM_001430.5 (MANE Select); coding-DNA position 2522, G replaced by C.
Protein change: p.Arg841Thr; replaces arginine 841 with threonine.
Molecular consequence: missense variant.
Genome position (GRCh38, 1-based): chr2:46,384,569, G>C. VCF-style: chr2-46384569-G-C. GRCh37 (hg19) VCF-style: chr2-46611708-G-C.
Other names: short protein forms R841T.
Identifiers: ClinVar variation 2497575 (VCV002497575.2), dbSNP rs1182383125, ClinGen allele CA346707046.
Genomic context (GRCh38, chr2:46,384,569, plus strand): 5'-GCATGGCAAGCCGGCTGCTCGGGCCCTCATTTGAGTCCTACCTGCTGCCCGAACTGACCA[G>C]ATATGACTGTGAGGTGAACGTGCCCGTGCTGGGAAGCTCCACGCTCCTGCAAGGAGGGGA-3'
Protein context (NP_001421.2, residues 831-851): FESYLLPELT[Arg841Thr]YDCEVNVPVL